The following is an entry in ClinVar:

NM_000312.4(PROC):c.401-40G>C

Gene: PROC (protein C, inactivator of coagulation factors Va and VIIIa; plus strand). Cytogenetic location: 2q14.3.
Variant type: single nucleotide variant.
Coding change: c.401-40G>C on transcript NM_000312.4 (MANE Select); 40 bases into the intron before coding-DNA position 401, G replaced by C.
Molecular consequence: intron variant. On other transcripts: missense variant (3).
Genome position (GRCh38, 1-based): chr2:127,423,234, G>C. VCF-style: chr2-127423234-G-C. GRCh37 (hg19) VCF-style: chr2-128180810-G-C.
Other names: c.526G>C, p.Gly176Arg (NM_001375603.1); c.463G>C, p.Gly155Arg (NM_001375605.1); c.547G>C, p.Gly183Arg (NM_001375607.1); c.401-40G>C (NM_001375611.1, NM_001375613.1); c.584-40G>C (NM_001375602.1); c.400+63G>C (NM_001375608.1); c.395-40G>C (NM_001375610.1); c.569-40G>C (NM_001375606.1); and 2 more; short protein forms G155R, G176R, G183R.
Identifiers: ClinVar variation 5040325 (VCV005040325.1).
Genomic context (GRCh38, chr2:127,423,234, plus strand): 5'-GAGGGGGAGAGGTGGATGCTGGCGGGCGGCGGGGCGGGGCTGGGGCCGGGTTGGGGGCGC[G>C]GCACCAGCACCAGCTGCCCGCGCCCTCCCCTGCCCGCAGAGGTGAGCTTCCTCAATTGCT-3'

ClinVar aggregate classification (germline): Uncertain significance (1 of 4 stars; one submission).

Submission:

CeGaT Center for Human Genetics Tuebingen
Classification: Uncertain significance. Last evaluated: 2026-07-01. Review status: criteria provided, single submitter. Criteria: CeGaT Center For Human Genetics Tuebingen Variant Classification Criteria Version 2. Collection method: clinical testing. Allele origin: germline. Affected: yes. Observed: 1 variant allele.
Comment: PROC: PM2, PP3